The following is an entry in ClinVar:

ClinVar aggregate classification (germline): Uncertain significance (1 of 4 stars; one submission).

Conditions:
Fanconi anemia complementation group E (FANCE). Also called: FANCE-Related Fanconi Anemia. Identifiers: Orphanet 84, MedGen C3160739, MONDO:0010953, OMIM 600901.

Submission:

Labcorp Genetics (formerly Invitae), Labcorp
Classification: Uncertain significance for Fanconi anemia complementation group E. Last evaluated: 2022-09-30. Review status: criteria provided, single submitter. Criteria: Invitae Variant Classification Sherloc (09022015). Collection method: clinical testing. Allele origin: germline.
Comment: In summary, the available evidence is currently insufficient to determine the role of this variant in disease. Therefore, it has been classified as a Variant of Uncertain Significance. This variant has not been reported in the literature in individuals affected with FANCE-related conditions. This variant results in a copy number gain of the genomic region encompassing exon(s) 8-10 of the FANCE gene. This region includes the termination codon of the gene. This copy number gain extends beyond the assayed region for this gene and therefore may encompass additional genes. As the precise location of this event is unknown, it may be in tandem or it may be located elsewhere in the genome.

NC_000006.11:g.(?_35428309)_(35434122_?)dup

Gene: FANCE (FA complementation group E; plus strand). Cytogenetic location: 6p21.31.
Variant type: Duplication.
Identifiers: ClinVar variation 2426689 (VCV002426689.4).